The following is an entry in ClinVar:

NM_001369268.1(ACAN):c.551C>T (p.Thr184Met)

Gene: ACAN (aggrecan; plus strand). Cytogenetic location: 15q26.1.
Variant type: single nucleotide variant.
Coding change: c.551C>T on transcript NM_001369268.1 (MANE Select); coding-DNA position 551, C replaced by T.
Protein change: p.Thr184Met; replaces threonine 184 with methionine.
Molecular consequence: missense variant.
Genome position (GRCh38, 1-based): chr15:88,840,108, C>T. VCF-style: chr15-88840108-C-T. GRCh37 (hg19) VCF-style: chr15-89383339-C-T.
Other names: c.551C>T, p.Thr184Met (NM_001135.4, NM_013227.4); short protein forms T184M.
Identifiers: ClinVar variation 1417533 (VCV001417533.7), dbSNP rs771509541, ClinGen allele CA7719264.

ClinVar aggregate classification (germline): Uncertain significance. Review status: criteria provided, multiple submitters, no conflicts (2 of 4 stars). 2 submissions from 2 submitters: Uncertain significance (2). Last evaluated 2025-10-26.

Allele frequency attached by ClinVar (database versions not stated): ExAC 0.00006; gnomAD 0.00006; gnomAD exomes 0.00006 and 0.00007; TOPMed 0.00018.
gnomAD v4.1: 106 of 1,605,464 alleles (0.0066%); highest among the groups gnomAD compares: Middle Eastern, 0.033%; no homozygotes.

Submissions (2):

Labcorp Genetics (formerly Invitae), Labcorp
Classification: Uncertain significance. Last evaluated: 2025-10-26. Review status: criteria provided, single submitter. Criteria: Invitae Variant Classification Sherloc (09022015). Collection method: clinical testing. Allele origin: germline.
Comment: This sequence change replaces threonine, which is neutral and polar, with methionine, which is neutral and non-polar, at codon 184 of the ACAN protein (p.Thr184Met). This variant is present in population databases (rs771509541, gnomAD 0.02%). This variant has not been reported in the literature in individuals affected with ACAN-related conditions. ClinVar contains an entry for this variant (Variation ID: 1417533). Invitae Evidence Modeling of protein sequence and biophysical properties (such as structural, functional, and spatial information, amino acid conservation, physicochemical variation, residue mobility, and thermodynamic stability) indicates that this missense variant is not expected to disrupt ACAN protein function with a negative predictive value of 80%. In summary, the available evidence is currently insufficient to determine the role of this variant in disease. Therefore, it has been classified as a Variant of Uncertain Significance.

Women's Health and Genetics/Laboratory Corporation of America, LabCorp
Classification: Uncertain significance. Last evaluated: 2023-09-13. Review status: criteria provided, single submitter. Criteria: LabCorp Variant Classification Summary - May 2015. Collection method: clinical testing. Allele origin: germline.
Comment: Variant summary: ACAN c.551C>T (p.Thr184Met) results in a non-conservative amino acid change in the encoded protein sequence. Four of five in-silico tools predict a damaging effect of the variant on protein function. The variant allele was found at a frequency of 6.9e-05 in 233130 control chromosomes (gnomAD). To our knowledge, no occurrence of c.551C>T in individuals affected with ACAN-Related Disorders and no experimental evidence demonstrating its impact on protein function have been reported. One ClinVar submitter has assessed the variant since 2014, and classified the variant as uncertain significance. Based on the evidence outlined above, the variant was classified as uncertain significance.